The following is an entry in ClinVar:

NM_006852.6(TLK2):c.601A>T (p.Ile201Phe)

Gene: TLK2 (tousled like kinase 2; plus strand). Cytogenetic location: 17q23.2.
Variant type: single nucleotide variant.
Coding change: c.601A>T on transcript NM_006852.6 (MANE Select); coding-DNA position 601, A replaced by T.
Protein change: p.Ile201Phe; replaces isoleucine 201 with phenylalanine.
Molecular consequence: missense variant. On other transcripts: intron variant (1).
Genome position (GRCh38, 1-based): chr17:62,552,371, A>T. VCF-style: chr17-62552371-A-T. GRCh37 (hg19) VCF-style: chr17-60629732-A-T.
Other names: c.601A>T, p.Ile201Phe (NM_001284333.3, NM_001375270.1, NM_001375271.1); c.505A>T, p.Ile169Phe (NM_001284363.1, NM_001375272.1); c.154A>T, p.Ile52Phe (NM_001330418.3, NM_001375273.1); c.643A>T, p.Ile215Phe (NM_001375269.1); c.436-7645A>T (NM_001411074.1); short protein forms I169F, I201F, I215F, I52F.
Identifiers: ClinVar variation 2570995 (VCV002570995.27), dbSNP rs2545506350, ClinGen allele CA400521543.

ClinVar aggregate classification (germline): Uncertain significance (1 of 4 stars; one submission).

Submission:

CeGaT Center for Human Genetics Tuebingen
Classification: Uncertain significance. Last evaluated: 2023-04-01. Review status: criteria provided, single submitter. Criteria: CeGaT Center For Human Genetics Tuebingen Variant Classification Criteria Version 2. Collection method: clinical testing. Allele origin: germline. Affected: yes. Observed: 1 variant allele.
Comment: TLK2: PM2, PP2